The following is an entry in ClinVar:

NM_201384.3(PLEC):c.7280A>G (p.Lys2427Arg)

Gene: PLEC (plectin; minus strand). Cytogenetic location: 8q24.3.
Variant type: single nucleotide variant.
Coding change: c.7280A>G on transcript NM_201384.3 (MANE Select); coding-DNA position 7280, A replaced by G.
Protein change: p.Lys2427Arg; replaces lysine 2427 with arginine.
Molecular consequence: missense variant.
Genome position (GRCh38, 1-based): chr8:143,922,649, T>C on the plus strand (A>G on the coding strand, the complement: PLEC is on the minus strand). VCF-style: chr8-143922649-T-C. GRCh37 (hg19) VCF-style: chr8-144996817-T-C.
Other names: c.7691A>G, p.Lys2564Arg (NM_201380.4); c.7184A>G, p.Lys2395Arg (NM_201381.3); c.7238A>G, p.Lys2413Arg (NM_201378.4); c.7214A>G, p.Lys2405Arg (NM_201379.3); c.7280A>G, p.Lys2427Arg (NM_201382.4); c.7292A>G, p.Lys2431Arg (NM_201383.3); c.7361A>G, p.Lys2454Arg (NM_000445.5); short protein forms K2427R, K2564R, K2395R, K2413R, K2431R, K2454R, K2405R.
Identifiers: ClinVar variation 968373 (VCV000968373.7), dbSNP rs1823254906, ClinGen allele CA372528282.
Genomic context (GRCh38, chr8:143,922,649, plus strand): 5'-CGCTCGGCATCATGGTCACTCTGCTGTCGCTGGATCTCCAGTGTCTGCACCAGGGTCACC[T>C]TCTCCTGGGTGGCGAGCTCCGTGCGGTGCAGCTTCTCACCGATCTCCTCCGCCTGCTTCC-3'
Protein context (NP_958786.1, residues 2417-2437): LHRTELATQE[Lys2427Arg]VTLVQTLEIQ

ClinVar aggregate classification (germline): Uncertain significance (1 of 4 stars; one submission).

Conditions:
Epidermolysis bullosa simplex 5B, with muscular dystrophy (EBS5B). Also called: Epidermolysis bullosa simplex with muscular dystrophy; EPIDERMOLYSIS BULLOSA SIMPLEX AND LIMB-GIRDLE MUSCULAR DYSTROPHY. Identifiers: Orphanet 257, MedGen C2931072, MONDO:0009181, OMIM 226670.
Autosomal recessive limb-girdle muscular dystrophy type 2Q (LGMDR17). Also called: MUSCULAR DYSTROPHY, LIMB-GIRDLE, AUTOSOMAL RECESSIVE 17. Identifiers: Orphanet 254361, MedGen C3150989, MONDO:0013390, OMIM 613723.
Epidermolysis bullosa simplex with nail dystrophy (EBS5D). Identifiers: MedGen C4225309, MONDO:0014661, OMIM 616487.
Epidermolysis bullosa simplex 5C, with pyloric atresia (EBS5C). Also called: PLEC-Related Epidermolysis Bullosa with Pyloric Atresia; Epidermolysis bullosa simplex with pyloric atresia; PLEC1-Related Epidermolysis Bullosa with Pyloric Atresia. Identifiers: Orphanet 158684, MedGen C2677349, MONDO:0012807, OMIM 612138.
Epidermolysis bullosa simplex, Ogna type (EBS5A). Also called: Pidermolysis bullosa simplex 5A, Ogna type; EPIDERMOLYSIS BULLOSA SIMPLEX 5A, OGNA TYPE. Identifiers: Orphanet 79401, MedGen C0432317, MONDO:0007555, OMIM 131950.

Allele frequency attached by ClinVar (database versions not stated): gnomAD exomes below 0.00001.

Submission:

Labcorp Genetics (formerly Invitae), Labcorp
Classification: Uncertain significance for Autosomal recessive limb-girdle muscular dystrophy type 2Q; Epidermolysis bullosa simplex, Ogna type; Epidermolysis bullosa simplex with nail dystrophy; Epidermolysis bullosa simplex 5C, with pyloric atresia; Epidermolysis bullosa simplex 5B, with muscular dystrophy. Last evaluated: 2022-01-15. Review status: criteria provided, single submitter. Criteria: Invitae Variant Classification Sherloc (09022015). Collection method: clinical testing. Allele origin: germline.
Comment: This sequence change replaces lysine, which is basic and polar, with arginine, which is basic and polar, at codon 2454 of the PLEC protein (p.Lys2454Arg). This variant is not present in population databases (gnomAD no frequency). In summary, the available evidence is currently insufficient to determine the role of this variant in disease. Therefore, it has been classified as a Variant of Uncertain Significance. Algorithms developed to predict the effect of missense changes on protein structure and function are either unavailable or do not agree on the potential impact of this missense change (SIFT: "Tolerated"; PolyPhen-2: "Probably Damaging"; Align-GVGD: "Class C0"). ClinVar contains an entry for this variant (Variation ID: 968373). This variant has not been reported in the literature in individuals affected with PLEC-related conditions.